The following is an entry in ClinVar:

ClinVar aggregate classification (germline): Likely pathogenic (1 of 4 stars; one submission).

Allele frequency attached by ClinVar (database versions not stated): gnomAD exomes below 0.00001; ExAC 0.00001.
gnomAD v4.1: 1 of 1,610,502 alleles (0.000062%); highest among the groups gnomAD compares: Admixed American, 0.0017%; no homozygotes.

Submission:

Labcorp Genetics (formerly Invitae), Labcorp
Classification: Likely pathogenic. Last evaluated: 2023-12-11. Review status: criteria provided, single submitter. Criteria: Invitae Variant Classification Sherloc (09022015). Collection method: clinical testing. Allele origin: germline.
Comment: This sequence change falls in intron 6 of the C11orf70 gene. It does not directly change the encoded amino acid sequence of the C11orf70 protein. It affects a nucleotide within the consensus splice site. This variant is present in population databases (rs746604945, gnomAD 0.003%). This variant has been observed in individual(s) with clinical features of primary ciliary dyskinesia (Invitae). Variants that disrupt the consensus splice site are a relatively common cause of aberrant splicing (PMID: 17576681, 9536098). Algorithms developed to predict the effect of sequence changes on RNA splicing suggest that this variant may disrupt the consensus splice site. In summary, the currently available evidence indicates that the variant is pathogenic, but additional data are needed to prove that conclusively. Therefore, this variant has been classified as Likely Pathogenic.

Literature cited by the submitters: PubMed 17576681; PubMed 9536098.

NM_032930.3(CFAP300):c.675+5G>A

Gene: CFAP300 (cilia and flagella associated protein 300; plus strand). Cytogenetic location: 11q22.1.
Variant type: single nucleotide variant.
Coding change: c.675+5G>A on transcript NM_032930.3 (MANE Select); 5 bases into the intron after coding-DNA position 675, G replaced by A.
Molecular consequence: intron variant.
Genome position (GRCh38, 1-based): chr11:102,081,286, G>A. VCF-style: chr11-102081286-G-A. GRCh37 (hg19) VCF-style: chr11-101952017-G-A.
Other names: c.604-1785G>A (NM_001363505.2).
Identifiers: ClinVar variation 3013949 (VCV003013949.3), dbSNP rs746604945, ClinGen allele CA6246076.